The following is an entry in ClinVar:

ClinVar aggregate classification (germline): Likely pathogenic (1 of 4 stars; one submission).

Conditions:
Charlevoix-Saguenay spastic ataxia (SACS). Also called: AUTOSOMAL RECESSIVE SPASTIC ATAXIA OF CHARLEVOIX-SAGUENAY; Spastic ataxia of Charlevoix-Saguenay; SPASTIC ATAXIA 6, AUTOSOMAL RECESSIVE. Identifiers: Orphanet 98, MedGen C1849140, MONDO:0010041, OMIM 270550.

Submission:

Natera, Inc.
Classification: Likely pathogenic for Charlevoix-Saguenay type spastic ataxia. Last evaluated: 2026-01-15. Review status: criteria provided, single submitter. Criteria: Natera Variant Classification Schema (03/2026). Collection method: clinical testing. Allele origin: germline.
Comment: The c.6003_6004del variant in SACS is a frameshift variant predicted to shift the reading frame beginning at codon 2003 and leads to a stop codon 25 codons downstream. This variant is expected to result in nonsense mediated decay, truncation, or a dysfunctional protein product. This variant is rare in the general population with a frequency below the threshold expected for the associated phenotype(s). Given the available evidence, this variant is classified as Likely Pathogenic.

NM_014363.6(SACS):c.6003_6004del (p.Asp2003fs)

Gene: SACS (sacsin molecular chaperone; minus strand). Cytogenetic location: 13q12.12.
Variant type: Deletion.
Coding change: c.6003_6004del on transcript NM_014363.6 (MANE Select); coding-DNA positions 6003 to 6004, 2 bases deleted (AA; older notation c.6003_6004delAA).
Protein change: p.Asp2003fs; shifts the reading frame from aspartic acid 2003.
Molecular consequence: frameshift variant.
Genome position (GRCh38, 1-based): chr13:23,337,872-23,337,873, TT deleted on the plus strand (AA on the coding strand, the reverse complement: SACS is on the minus strand). VCF-style (leftmost placement, unchanged base first): chr13-23337871-CTT-C. GRCh37 (hg19) VCF-style: chr13-23912010-CTT-C.
Other names: c.5562_5563del, p.Asp1856fs (NM_001278055.2); c.6030_6031del, p.Asp2012fs (NM_001437336.1); short protein forms D1856fs, D2003fs, D2012fs.
Identifiers: ClinVar variation 4815707 (VCV004815707.1).